The following is an entry in ClinVar:

ClinVar aggregate classification (germline): Uncertain significance (1 of 4 stars; one submission).

Conditions:
Nephronophthisis. Also called: Juvenile Nephronophthisis. Identifiers: Orphanet 655, MedGen C0687120, MONDO:0019005, HP:0000090.

Allele frequency attached by ClinVar (database versions not stated): gnomAD exomes below 0.00001.
gnomAD v4.1: 4 of 1,608,060 alleles (0.00025%); highest among the groups gnomAD compares: Non-Finnish European, 0.00034%; no homozygotes.

Submission:

Labcorp Genetics (formerly Invitae), Labcorp
Classification: Uncertain significance for Nephronophthisis. Last evaluated: 2022-01-26. Review status: criteria provided, single submitter. Criteria: Invitae Variant Classification Sherloc (09022015). Collection method: clinical testing. Allele origin: germline.
Comment: In summary, the available evidence is currently insufficient to determine the role of this variant in disease. Therefore, it has been classified as a Variant of Uncertain Significance. Variants that disrupt the consensus splice site are a relatively common cause of aberrant splicing (PMID: 17576681, 9536098). Algorithms developed to predict the effect of sequence changes on RNA splicing suggest that this variant is not likely to affect RNA splicing. This variant has not been reported in the literature in individuals affected with NPHP3-related conditions. This variant is not present in population databases (gnomAD no frequency). This sequence change falls in intron 5 of the NPHP3 gene. It does not directly change the encoded amino acid sequence of the NPHP3 protein. It affects a nucleotide within the consensus splice site.

Literature cited by the submitters: PubMed 17576681; PubMed 9536098.

NM_153240.5(NPHP3):c.957+6G>A

Genes: NPHP3 (nephrocystin 3; minus strand), NPHP3-ACAD11 (NPHP3-ACAD11 readthrough (NMD candidate); minus strand). Cytogenetic location: 3q22.1.
Variant type: single nucleotide variant.
Coding change: c.957+6G>A on transcript NM_153240.5 (MANE Select); 6 bases into the intron after coding-DNA position 957, G replaced by A.
Molecular consequence: intron variant.
Genome position (GRCh38, 1-based): chr3:132,715,079, C>T on the plus strand (G>A on the coding strand, the complement: NPHP3 is on the minus strand). VCF-style: chr3-132715079-C-T. GRCh37 (hg19) VCF-style: chr3-132433923-C-T.
Identifiers: ClinVar variation 2075399 (VCV002075399.4), dbSNP rs2530490202, ClinGen allele CA2580068783.
Genomic context (GRCh38, chr3:132,715,079, plus strand): 5'-AGAAACAGAATATAATATTAACTTATATTTTAAATTGGTTGATACAGAATTTATAAATAT[C>T]CTCACCTTAAGGAAAAGATCCATCTCAGGCTGGGTTTCATCTGTATAAATGAGGTAACAT-3'